The following is an entry in ClinVar:

ClinVar aggregate classification (germline): Conflicting classifications of pathogenicity. Review status: criteria provided, conflicting classifications (1 of 4 stars). 3 submissions from 3 submitters: Likely pathogenic (1); Uncertain significance (1). 1 of the submissions does not count toward it. Last evaluated 2025-10-08.

Conditions:
Fraser syndrome 1 (FRASRS1). Also called: CRYPTOPHTHALMOS WITH OTHER MALFORMATIONS. Identifiers: Orphanet 2052, MedGen C4551480, MONDO:0054737, OMIM 219000.

Allele frequency attached by ClinVar (database versions not stated): gnomAD 0.00001; TOPMed 0.00001; gnomAD exomes 0.00002.
gnomAD v4.1: 22 of 1,582,490 alleles (0.0014%); highest among the groups gnomAD compares: Non-Finnish European, 0.0019%; no homozygotes.

Submissions (3):

Variantyx, Inc.
Classification: Likely pathogenic for Fraser syndrome 1. Last evaluated: 2025-10-08. Review status: criteria provided, single submitter. Criteria: Variantyx Assertion Criteria 2022. Collection method: clinical testing. Allele origin: germline. Inheritance: Autosomal recessive inheritance. Affected: yes.
Comment: This is a nonsynonymous variant in the FRAS1 gene (OMIM: 607830). Pathogenic variants in this gene have been associated with autosomal recessive Fraser syndrome 1. The clinical symptoms reported for this proband are highly specific for autosomal recessive Fraser syndrome 1, which has a limited genetic etiology (PMID: 32643034) (PP4_Strong). Multiple computational algorithms predict a deleterious effect for this variant (REVEL score: 0.743) (PP3). This variant has a 0.0019% maximum allele frequency in non-founder control populations (PM2). Based on the current evidence, this variant is classified as likely pathogenic for autosomal recessive Fraser syndrome 1.

Women's Health and Genetics/Laboratory Corporation of America, LabCorp
Classification: Uncertain significance. Last evaluated: 2025-05-07. Review status: criteria provided, single submitter. Criteria: LabCorp Variant Classification Summary - May 2015. Collection method: clinical testing. Allele origin: germline.
Comment: Variant summary: FRAS1 c.2570G>T (p.Cys857Phe) results in a non-conservative amino acid change in the encoded protein sequence. Algorithms developed to predict the effect of missense changes on protein structure and function all suggest that this variant is likely to be disruptive. The variant allele was found at a frequency of 5.1e-06 in 196646 control chromosomes (gnomAD). The available data on variant occurrences in the general population are insufficient to allow any conclusion about variant significance. c.2570G>T has been observed in individual(s) affected with FRAS1-related conditions (Shieh_2021, Retterer_2016). These report(s) do not provide unequivocal conclusions about association of the variant with Cryptophthalmos Syndrome. To our knowledge, no experimental evidence demonstrating an impact on protein function has been reported. The following publications have been ascertained in the context of this evaluation (PMID: 34556655, 26633542). ClinVar contains an entry for this variant (Variation ID: 984384). Based on the evidence outlined above, the variant was classified as uncertain significance.

Shieh Lab, University of California, San Francisco
Classification: Pathogenic for Fraser syndrome 1. Last evaluated: 2020-10-19. Review status: no assertion criteria provided. Collection method: research. Allele origin: germline. Affected: yes. Not counted in ClinVar's aggregate classification.

Literature cited by the submitters: PubMed 34556655 (cited by Variantyx, Inc. and Women's Health and Genetics/Laboratory Corporation of America, LabCorp); PubMed 32643034 (cited by Variantyx, Inc.); PubMed 26633542 (cited by Women's Health and Genetics/Laboratory Corporation of America, LabCorp).

NM_025074.7(FRAS1):c.2570G>T (p.Cys857Phe)

Gene: FRAS1 (Fraser extracellular matrix complex subunit 1; plus strand). Cytogenetic location: 4q21.21.
Variant type: single nucleotide variant.
Coding change: c.2570G>T on transcript NM_025074.7 (MANE Select); coding-DNA position 2570, G replaced by T.
Protein change: p.Cys857Phe; replaces cysteine 857 with phenylalanine.
Molecular consequence: missense variant.
Genome position (GRCh38, 1-based): chr4:78,363,660, G>T. VCF-style: chr4-78363660-G-T. GRCh37 (hg19) VCF-style: chr4-79284814-G-T.
Other names: c.2570G>T, p.Cys857Phe (NM_001166133.2); short protein forms C857F.
Identifiers: ClinVar variation 984384 (VCV000984384.2), dbSNP rs1399826348, ClinGen allele CA357371882.
Genomic context (GRCh38, chr4:78,363,660, plus strand): 5'-TGCTCGGGGACCACTGTGTTCCTGACTGCCCTTCAGGATACTATGCAGAGAGAGGAGCTT[G>T]TAAAAGTGAGTAAGTGCTGGACTCAGGAGCTGGAGCTGCCACCTGAGGTTCTCTTGGGGC-3'
Protein context (NP_079350.5, residues 847-867): PSGYYAERGA[Cys857Phe]KKCHSSCRTC